The following is an entry in ClinVar:

NM_000256.3(MYBPC3):c.1076A>G (p.Glu359Gly)

Gene: MYBPC3 (myosin binding protein C3; minus strand). Cytogenetic location: 11p11.2.
Variant type: single nucleotide variant.
Coding change: c.1076A>G on transcript NM_000256.3 (MANE Select); coding-DNA position 1076, A replaced by G.
Protein change: p.Glu359Gly; replaces glutamic acid 359 with glycine.
Molecular consequence: missense variant.
Genome position (GRCh38, 1-based): chr11:47,346,221, T>C on the plus strand (A>G on the coding strand, the complement: MYBPC3 is on the minus strand). VCF-style: chr11-47346221-T-C. GRCh37 (hg19) VCF-style: chr11-47367772-T-C.
Other names: short protein forms E359G.
Identifiers: ClinVar variation 924627 (VCV000924627.3), dbSNP rs2095893888, ClinGen allele CA380330989.
Genomic context (GRCh38, chr11:47,346,221, plus strand): 5'-AGGGCTAGCCTGTGCCCTCTCCTCTCCCCTCTGAGGAAGGGCTAACCTGTGCTCTTCTTC[T>C]CATCGCGCCTCATGCCCTTGAGCCTCTTTAGCATGCCGCGCAGGTCAGTGACGCCGTACT-3'
Protein context (NP_000247.2, residues 349-369): LKRLKGMRRD[Glu359Gly]KKSTAFQKKL

ClinVar aggregate classification (germline): Uncertain significance (1 of 4 stars; one submission).

Conditions:
Cardiomyopathy (CMYO). Also called: Cardiomyopathies. Identifiers: Orphanet 167848, MedGen C0878544, MONDO:0004994, HP:0001638. Inheritance: Various modes of inheritance.

Submission:

Color Diagnostics, LLC DBA Color Health
Classification: Uncertain significance for Cardiomyopathy. Last evaluated: 2018-12-18. Review status: criteria provided, single submitter. Criteria: ACMG Guidelines, 2015. Collection method: clinical testing. Allele origin: germline.
Comment: Variant of Uncertain Significance due to insufficient evidence: This missense variant is located in the MyBP-C motif of the MYBPC3 protein that binds S2 region of the myosin heavy chain. Computational prediction tools and conservation analyses are inconclusive regarding the impact of this variant on the protein function. Computational splicing tools suggest that this variant may not impact RNA splicing. To our knowledge, functional assays have not been performed for this variant nor has this variant been reported in individuals affected with cardiovascular disorders in the literature. This variant is rare in the general population and has been identified in 0/277264 chromosomes by the Genome Aggregation Database (gnomAD). Available evidence is insufficient to determine the role of this variant in disease conclusively.